The following is an entry in ClinVar:

ClinVar aggregate classification (germline): Likely benign. Review status: criteria provided, multiple submitters, no conflicts (2 of 4 stars). 3 submissions from 3 submitters: Likely benign (2). 1 of the submissions does not count toward it. Last evaluated 2025-11-23.

Conditions:
DONSON-related disorder. Also called: DONSON-related condition.

Allele frequency attached by ClinVar (database versions not stated): TOPMed 0.00045; gnomAD 0.00046.

Submissions (3):

Labcorp Genetics (formerly Invitae), Labcorp
Classification: Likely benign. Last evaluated: 2025-11-23. Review status: criteria provided, single submitter. Criteria: Invitae Variant Classification Sherloc (09022015). Collection method: clinical testing. Allele origin: germline.

Blueprint Genetics
Classification: Likely benign. Last evaluated: 2024-11-25. Review status: criteria provided, single submitter. Criteria: ACMG Guidelines, 2015. Collection method: clinical testing. Allele origin: germline.

PreventionGenetics, part of Exact Sciences
Classification: Likely benign for DONSON-related condition. Last evaluated: 2022-05-17. Review status: no assertion criteria provided. Collection method: clinical testing. Allele origin: germline. Not counted in ClinVar's aggregate classification.
Comment: This variant is classified as likely benign based on ACMG/AMP sequence variant interpretation guidelines (Richards et al. 2015 PMID: 25741868, with internal and published modifications).

NM_017613.4(DONSON):c.30G>A (p.Pro10=)

Gene: DONSON (DNA replication fork stabilization factor DONSON; minus strand). Cytogenetic location: 21q22.11.
Variant type: single nucleotide variant.
Coding change: c.30G>A on transcript NM_017613.4 (MANE Select); coding-DNA position 30, G replaced by A.
Protein change: p.Pro10=; no amino-acid change (proline 10 retained).
Molecular consequence: synonymous variant.
Genome position (GRCh38, 1-based): chr21:33,588,612, C>T on the plus strand (G>A on the coding strand, the complement: DONSON is on the minus strand). VCF-style: chr21-33588612-C-T. GRCh37 (hg19) VCF-style: chr21-34960918-C-T.
Other names: c.30G>A (NM_017613.3).
Identifiers: ClinVar variation 1987561 (VCV001987561.7), dbSNP rs1030011717, ClinGen allele CA320125071.